The following is an entry in ClinVar:

NM_003097.6(SNRPN):c.66A>C (p.Gln22His)

Genes: SNHG14 (small nucleolar RNA host gene 14; plus strand), SNRPN (small nuclear ribonucleoprotein polypeptide N; plus strand), SNURF (SNRPN upstream open reading frame; plus strand). Cytogenetic location: 15q11.2.
Variant type: single nucleotide variant.
Coding change: c.66A>C on transcript NM_003097.6 (MANE Select); coding-DNA position 66, A replaced by C.
Protein change: p.Gln22His; replaces glutamine 22 with histidine.
Molecular consequence: missense variant. On other transcripts: 3 prime UTR variant (1), intron variant (1), non-coding transcript variant (1).
Genome position (GRCh38, 1-based): chr15:24,975,420, A>C. VCF-style: chr15-24975420-A-C. GRCh37 (hg19) VCF-style: chr15-25220567-A-C.
Other names: c.66A>C, p.Gln22His (NM_001400737.1, NM_001400738.1, NM_001400739.1 and 99 more transcripts); c.42A>C, p.Gln14His (NM_001400767.1, NM_001378256.1, NM_001378257.1); c.*254A>C (NM_005678.5); c.3+964A>C (NM_001400768.1); c.78A>C, p.Gln26His (NM_001378251.1, NM_001378252.1, NM_001378253.1 and 2 more transcripts); short protein forms Q14H, Q22H, Q26H.
Identifiers: ClinVar variation 1803411 (VCV001803411.1), dbSNP rs2076952450, ClinGen allele CA391340937.

ClinVar aggregate classification (germline): Uncertain significance (1 of 4 stars; one submission).

Submission:

GeneDx
Classification: Uncertain significance. Last evaluated: 2022-06-09. Review status: criteria provided, single submitter. Criteria: GeneDx Variant Classification Process June 2021. Collection method: clinical testing. Allele origin: germline. Affected: yes.
Comment: Not observed at significant frequency in large population cohorts (gnomAD); In silico analysis supports that this missense variant has a deleterious effect on protein structure/function; Has not been previously published as pathogenic or benign to our knowledge